The following is an entry in ClinVar:

ClinVar aggregate classification (germline): Benign. Review status: criteria provided, multiple submitters, no conflicts (2 of 4 stars). 4 submissions from 4 submitters: Benign (3). 1 of the submissions does not count toward it. Last evaluated 2019-01-10.

Conditions:
HABP2-related disorder. Also called: HABP2-related condition.
Factor VII-activating protease marburg I. Identifiers: MedGen CN068943.

Allele frequency attached by ClinVar (database versions not stated): 1000 Genomes Project 0.37620; 1000 Genomes Project 30x 0.38023; ESP Exome Variant Server 0.41835; TOPMed 0.42385.
gnomAD v4.1: 663,755 of 1,610,138 alleles (41%); highest among the groups gnomAD compares: Admixed American, 50%; 138,222 homozygotes.

Submissions (4):

GeneDx
Classification: Benign. Last evaluated: 2019-01-10. Review status: criteria provided, single submitter. Criteria: GeneDx Variant Classification Process June 2021. Collection method: clinical testing. Allele origin: germline. Affected: yes.

Illumina Laboratory Services, Illumina
Classification: Benign for Factor VII Marburg I Variant Thrombophilia. Last evaluated: 2018-01-13. Review status: criteria provided, single submitter. Criteria: ICSL Variant Classification Criteria 13 December 2019. Collection method: clinical testing. Allele origin: germline.
Comment: This variant was observed in the ICSL laboratory as part of a predisposition screen in an ostensibly healthy population. It had not been previously curated by ICSL or reported in the Human Gene Mutation Database (HGMD: prior to June 1st, 2018), and was therefore a candidate for classification through an automated scoring system. Utilizing variant allele frequency, disease prevalence and penetrance estimates, and inheritance mode, an automated score was calculated to assess if this variant is too frequent to cause the disease. Based on the score and internal cut-off values, a variant classified as benign is not then subjected to further curation. The score for this variant resulted in a classification of benign for this disease.

Breakthrough Genomics
Classification: Benign. Review status: criteria provided, single submitter. Criteria: ACMG Guidelines, 2015. Collection method: not provided. Allele origin: germline. Inheritance: Autosomal dominant inheritance. Affected: yes.

PreventionGenetics, part of Exact Sciences
Classification: Benign for HABP2-related condition. Last evaluated: 2019-06-05. Review status: no assertion criteria provided. Collection method: clinical testing. Allele origin: germline. Not counted in ClinVar's aggregate classification.
Comment: This variant is classified as benign based on ACMG/AMP sequence variant interpretation guidelines (Richards et al. 2015 PMID: 25741868, with internal and published modifications).

NM_004132.5(HABP2):c.1050G>A (p.Ala350=)

Gene: HABP2 (hyaluronan binding protein 2; plus strand). Cytogenetic location: 10q25.3.
Variant type: single nucleotide variant.
Coding change: c.1050G>A on transcript NM_004132.5 (MANE Select); coding-DNA position 1050, G replaced by A.
Protein change: p.Ala350=; no amino-acid change (alanine 350 retained).
Molecular consequence: synonymous variant.
Genome position (GRCh38, 1-based): chr10:113,582,087, G>A. VCF-style: chr10-113582087-G-A. GRCh37 (hg19) VCF-style: chr10-115341846-G-A.
Other names: c.972G>A, p.Ala324= (NM_001177660.3).
Identifiers: ClinVar variation 298915 (VCV000298915.9), dbSNP rs2245058, ClinGen allele CA5693878.